The following is an entry in ClinVar:

ClinVar aggregate classification (germline): Uncertain significance. Review status: criteria provided, multiple submitters, no conflicts (2 of 4 stars). 5 submissions from 5 submitters: Uncertain significance (4). 1 of the submissions does not count toward it. Last evaluated 2025-06-07.

Conditions:
Townes syndrome (TBS). Also called: Townes-Brocks syndrome. Identifiers: Orphanet 857, MedGen C0265246, MeSH C536974, MONDO:0007142.
Townes-Brocks syndrome 1 (TBS1). Also called: DEAFNESS, SENSORINEURAL, WITH IMPERFORATE ANUS AND THUMB ANOMALIES; REAR SYNDROME; RENAL-EAR-ANAL-RADIAL SYNDROME; SALL1-Related Townes-Brocks Syndrome. Identifiers: Orphanet 857, MedGen C4551481, MONDO:0054581, OMIM 107480.
VACTERL with hydrocephalus. Also called: VACTERL-H. Identifiers: Orphanet 3412, MedGen C1848599, MONDO:0010172, OMIM 276950.

Allele frequency attached by ClinVar (database versions not stated): ExAC 0.00001; gnomAD 0.00001; gnomAD exomes 0.00001; TOPMed 0.00003.
gnomAD v4.1: 22 of 1,613,956 alleles (0.0014%); highest among the groups gnomAD compares: Admixed American, 0.005%; no homozygotes.

Submissions (5):

Labcorp Genetics (formerly Invitae), Labcorp
Classification: Uncertain significance for Townes syndrome. Last evaluated: 2025-06-07. Review status: criteria provided, single submitter. Criteria: Invitae Variant Classification Sherloc (09022015). Collection method: clinical testing. Allele origin: germline.
Comment: This sequence change replaces glutamine, which is neutral and polar, with arginine, which is basic and polar, at codon 201 of the SALL1 protein (p.Gln201Arg). This variant is present in population databases (rs775143619, gnomAD 0.003%). This missense change has been observed in individual(s) with SALL1-related conditions (PMID: 24429398). ClinVar contains an entry for this variant (Variation ID: 633693). Invitae Evidence Modeling of protein sequence and biophysical properties (such as structural, functional, and spatial information, amino acid conservation, physicochemical variation, residue mobility, and thermodynamic stability) indicates that this missense variant is not expected to disrupt SALL1 protein function with a negative predictive value of 80%. In summary, the available evidence is currently insufficient to determine the role of this variant in disease. Therefore, it has been classified as a Variant of Uncertain Significance.

Fulgent Genetics
Classification: Uncertain significance for Townes-Brocks syndrome 1. Last evaluated: 2022-03-01. Review status: criteria provided, single submitter. Criteria: ACMG Guidelines, 2015. Collection method: clinical testing. Allele origin: unknown.

GeneDx
Classification: Uncertain significance. Last evaluated: 2021-06-24. Review status: criteria provided, single submitter. Criteria: GeneDx Variant Classification Process June 2021. Collection method: clinical testing. Allele origin: germline. Affected: yes.
Comment: Identified in a patient with a congenital anomaly of the kidney and urinary tract in published literature (Hwang et al., 2014); In silico analysis supports that this missense variant does not alter protein structure/function; This variant is associated with the following publications: (PMID: 27535533, 24429398)

Genomic Medicine Lab, University of California San Francisco
Classification: Uncertain significance for VACTERL with hydrocephalus. Last evaluated: 2018-10-11. Review status: criteria provided, single submitter. Criteria: ACMG Guidelines, 2015. Collection method: clinical testing. Allele origin: paternal. Inheritance: Autosomal dominant inheritance. Study: CSER.

Gharavi Laboratory, Columbia University
Classification: Uncertain significance. Last evaluated: 2018-09-16. Review status: no assertion criteria provided. Criteria: ACMG Guidelines, 2015. Collection method: research. Allele origin: germline. Affected: no. Not counted in ClinVar's aggregate classification.

Literature cited by the submitters: PubMed 24429398 (cited by Labcorp Genetics (formerly Invitae), Labcorp).

NM_002968.3(SALL1):c.602A>G (p.Gln201Arg)

Gene: SALL1 (spalt like transcription factor 1; minus strand). Cytogenetic location: 16q12.1.
Variant type: single nucleotide variant.
Coding change: c.602A>G on transcript NM_002968.3 (MANE Select); coding-DNA position 602, A replaced by G.
Protein change: p.Gln201Arg; replaces glutamine 201 with arginine.
Molecular consequence: missense variant.
Genome position (GRCh38, 1-based): chr16:51,141,620, T>C on the plus strand (A>G on the coding strand, the complement: SALL1 is on the minus strand). VCF-style: chr16-51141620-T-C. GRCh37 (hg19) VCF-style: chr16-51175531-T-C.
Other names: c.311A>G, p.Gln104Arg (NM_001127892.2); short protein forms Q201R, Q104R.
Identifiers: ClinVar variation 633693 (VCV000633693.8), dbSNP rs775143619, ClinGen allele CA8053424.